The following is an entry in ClinVar:

ClinVar aggregate classification (germline): Uncertain significance (1 of 4 stars; one submission).

Conditions:
Infantile-onset X-linked spinal muscular atrophy. Also called: ARTHROGRYPOSIS, X-LINKED, TYPE I; Spinal muscular atrophy, X-linked 2; AMC, DISTAL, X-LINKED; SPINAL MUSCULAR ATROPHY, X-LINKED LETHAL INFANTILE; Spinal Muscular Atrophy, X-Linked Infantile. Identifiers: Orphanet 1145, MedGen C1844934, MONDO:0010532, OMIM 301830.

Submission:

Labcorp Genetics (formerly Invitae), Labcorp
Classification: Uncertain significance for Infantile-onset X-linked spinal muscular atrophy. Last evaluated: 2022-08-25. Review status: criteria provided, single submitter. Criteria: Invitae Variant Classification Sherloc (09022015). Collection method: clinical testing. Allele origin: germline.
Comment: A copy number gain of the genomic region encompassing the full coding sequence of the UBA1 gene has been identified. The boundaries of this event are unknown as they extend beyond the assayed region for this gene and therefore may encompass additional genes. As the precise location of this event is unknown, it may be in tandem or it may be located elsewhere in the genome. This variant has not been reported in the literature in individuals affected with UBA1-related conditions. In summary, the available evidence is currently insufficient to determine the role of this variant in disease. Therefore, it has been classified as a Variant of Uncertain Significance.

NC_000023.10:g.(?_47058202)_(47074328_?)dup

Genes: INE1 (inactivation escape 1; plus strand), UBA1 (ubiquitin like modifier activating enzyme 1; plus strand). Cytogenetic location: Xp11.23.
Variant type: Duplication.
Identifiers: ClinVar variation 2424675 (VCV002424675.3).